The following is an entry in ClinVar:

ClinVar aggregate classification (germline): Uncertain significance (1 of 4 stars; one submission).

gnomAD v4.1: 1 of 1,595,898 alleles (0.000063%); highest among the groups gnomAD compares: Non-Finnish European, 0.000085%; no homozygotes.

Submission:

CeGaT Center for Human Genetics Tuebingen
Classification: Uncertain significance. Last evaluated: 2025-11-01. Review status: criteria provided, single submitter. Criteria: CeGaT Center For Human Genetics Tuebingen Variant Classification Criteria Version 2. Collection method: clinical testing. Allele origin: germline. Affected: yes. Observed: 1 variant allele.
Comment: FREM1: PM2, BP4

NM_001379081.2(FREM1):c.1133C>A (p.Ser378Tyr)

Gene: FREM1 (FRAS1 related extracellular matrix 1; minus strand). Cytogenetic location: 9p22.3.
Variant type: single nucleotide variant.
Coding change: c.1133C>A on transcript NM_001379081.2 (MANE Select); coding-DNA position 1133, C replaced by A.
Protein change: p.Ser378Tyr; replaces serine 378 with tyrosine.
Molecular consequence: missense variant. On other transcripts: non-coding transcript variant (4).
Genome position (GRCh38, 1-based): chr9:14,851,303, G>T on the plus strand (C>A on the coding strand, the complement: FREM1 is on the minus strand). VCF-style: chr9-14851303-G-T. GRCh37 (hg19) VCF-style: chr9-14851301-G-T.
Other names: c.1160C>A, p.Ser387Tyr (NM_001370060.1); c.1133C>A, p.Ser378Tyr (NM_001370063.1, NM_001370065.1, NM_144966.7); short protein forms S378Y, S387Y.
Identifiers: ClinVar variation 4535339 (VCV004535339.6).